The following is an entry in ClinVar:

NM_004963.4(GUCY2C):c.1606-3T>C

Gene: GUCY2C (guanylate cyclase 2C; minus strand). Cytogenetic location: 12p12.3.
Variant type: single nucleotide variant.
Coding change: c.1606-3T>C on transcript NM_004963.4 (MANE Select); 3 bases into the intron before coding-DNA position 1606, T replaced by C.
Molecular consequence: intron variant.
Genome position (GRCh38, 1-based): chr12:14,651,514, A>G on the plus strand (T>C on the coding strand, the complement: GUCY2C is on the minus strand). VCF-style: chr12-14651514-A-G. GRCh37 (hg19) VCF-style: chr12-14804448-A-G.
Identifiers: ClinVar variation 2833702 (VCV002833702.3), dbSNP rs2497710430, ClinGen allele CA2617773721.

ClinVar aggregate classification (germline): Uncertain significance (1 of 4 stars; one submission).

Submission:

Labcorp Genetics (formerly Invitae), Labcorp
Classification: Uncertain significance. Last evaluated: 2023-04-20. Review status: criteria provided, single submitter. Criteria: Invitae Variant Classification Sherloc (09022015). Collection method: clinical testing. Allele origin: germline.
Comment: This sequence change falls in intron 14 of the GUCY2C gene. It does not directly change the encoded amino acid sequence of the GUCY2C protein. It affects a nucleotide within the consensus splice site. This variant is not present in population databases (gnomAD no frequency). In summary, the available evidence is currently insufficient to determine the role of this variant in disease. Therefore, it has been classified as a Variant of Uncertain Significance. Variants that disrupt the consensus splice site are a relatively common cause of aberrant splicing (PMID: 17576681, 9536098). Algorithms developed to predict the effect of sequence changes on RNA splicing suggest that this variant is not likely to affect RNA splicing. This variant has not been reported in the literature in individuals affected with GUCY2C-related conditions.

Literature cited by the submitters: PubMed 17576681; PubMed 9536098.